The following is an entry in ClinVar:

ClinVar aggregate classification (germline): Likely benign. Review status: criteria provided, multiple submitters, no conflicts (2 of 4 stars). 4 submissions from 4 submitters: Likely benign (2). 2 of the submissions do not count toward it. Last evaluated 2025-09-03.

Conditions:
CDH23-related disorder. Also called: CDH23-related condition; CDH23-related disorders.
Usher syndrome type 1 (USH1). Also called: RETINITIS PIGMENTOSA AND CONGENITAL DEAFNESS. Identifiers: Orphanet 231169, Orphanet 886, MedGen C1568247, MONDO:0010168, OMIM 276900.

Allele frequency attached by ClinVar (database versions not stated): TOPMed 0.00002; gnomAD 0.00004; gnomAD exomes 0.00008; ExAC 0.00013.
gnomAD v4.1: 130 of 1,613,816 alleles (0.0081%); highest among the groups gnomAD compares: South Asian, 0.06%; no homozygotes.

Submissions (4):

Labcorp Genetics (formerly Invitae), Labcorp
Classification: Likely benign. Last evaluated: 2025-09-03. Review status: criteria provided, single submitter. Criteria: Invitae Variant Classification Sherloc (09022015). Collection method: clinical testing. Allele origin: germline.

Blueprint Genetics
Classification: Likely benign. Last evaluated: 2023-08-24. Review status: criteria provided, single submitter. Criteria: ACMG Guidelines, 2015. Collection method: clinical testing. Allele origin: germline.

Natera, Inc.
Classification: Uncertain significance for Usher syndrome type 1. Last evaluated: 2020-04-17. Review status: no assertion criteria provided. Collection method: clinical testing. Allele origin: germline. Not counted in ClinVar's aggregate classification.

PreventionGenetics, part of Exact Sciences
Classification: Likely benign for CDH23-related condition. Last evaluated: 2019-12-06. Review status: no assertion criteria provided. Collection method: clinical testing. Allele origin: germline. Not counted in ClinVar's aggregate classification.
Comment: This variant is classified as likely benign based on ACMG/AMP sequence variant interpretation guidelines (Richards et al. 2015 PMID: 25741868, with internal and published modifications).

NM_022124.6(CDH23):c.9198+10G>A

Gene: CDH23 (cadherin related 23; plus strand). Cytogenetic location: 10q22.1.
Variant type: single nucleotide variant.
Coding change: c.9198+10G>A on transcript NM_022124.6 (MANE Select); 10 bases into the intron after coding-DNA position 9198, G replaced by A.
Molecular consequence: intron variant.
Genome position (GRCh38, 1-based): chr10:71,811,445, G>A. VCF-style: chr10-71811445-G-A. GRCh37 (hg19) VCF-style: chr10-73571202-G-A.
Other names: c.2478+10G>A (NM_001171933.1, NM_001171934.1); c.9198+10G>A (NM_022124.5).
Identifiers: ClinVar variation 990961 (VCV000990961.8), dbSNP rs758760731, ClinGen allele CA5546915.